The following is an entry in ClinVar:

NC_000001.10:g.(?_29527008)_(29527121_?)del

Gene: MECR (mitochondrial trans-2-enoyl-CoA reductase; minus strand). Cytogenetic location: 1p35.3.
Variant type: Deletion.
Identifiers: ClinVar variation 3248003 (VCV003248003.1).

ClinVar aggregate classification (germline): Pathogenic (1 of 4 stars; one submission).

Submission:

Labcorp Genetics (formerly Invitae), Labcorp
Classification: Pathogenic. Last evaluated: 2023-07-16. Review status: criteria provided, single submitter. Criteria: Invitae Variant Classification Sherloc (09022015). Collection method: clinical testing. Allele origin: unknown.
Comment: This variant is a gross deletion of the genomic region encompassing exon(s) 7 of the MECR gene. This deletion is out-of-frame, and is expected to create a premature termination codon and result in an absent or disrupted protein product. Loss-of-function variants in MECR are known to be pathogenic (PMID: 27817865). This variant has not been reported in the literature in individuals affected with MECR-related conditions. For these reasons, this variant has been classified as Pathogenic.

Literature cited by the submitters: PubMed 27817865.